The following is an entry in ClinVar:

ClinVar aggregate classification (germline): Uncertain significance (1 of 4 stars; one submission).

Allele frequency attached by ClinVar (database versions not stated): gnomAD exomes 0.00001 and 0.00002; ExAC 0.00003; gnomAD 0.00003; TOPMed 0.00005; ESP Exome Variant Server 0.00008.

Submission:

Labcorp Genetics (formerly Invitae), Labcorp
Classification: Uncertain significance. Last evaluated: 2024-10-23. Review status: criteria provided, single submitter. Criteria: Invitae Variant Classification Sherloc (09022015). Collection method: clinical testing. Allele origin: germline.
Comment: This sequence change replaces methionine, which is neutral and non-polar, with valine, which is neutral and non-polar, at codon 2331 of the LAMA1 protein (p.Met2331Val). This variant is present in population databases (rs143815838, gnomAD 0.007%). This variant has not been reported in the literature in individuals affected with LAMA1-related conditions. ClinVar contains an entry for this variant (Variation ID: 1504490). Invitae Evidence Modeling of protein sequence and biophysical properties (such as structural, functional, and spatial information, amino acid conservation, physicochemical variation, residue mobility, and thermodynamic stability) has been performed for this missense variant. However, the output from this modeling did not meet the statistical confidence thresholds required to predict the impact of this variant on LAMA1 protein function. In summary, the available evidence is currently insufficient to determine the role of this variant in disease. Therefore, it has been classified as a Variant of Uncertain Significance.

NM_005559.4(LAMA1):c.6991A>G (p.Met2331Val)

Gene: LAMA1 (laminin subunit alpha 1; minus strand). Cytogenetic location: 18p11.31.
Variant type: single nucleotide variant.
Coding change: c.6991A>G on transcript NM_005559.4 (MANE Select); coding-DNA position 6991, A replaced by G.
Protein change: p.Met2331Val; replaces methionine 2331 with valine.
Molecular consequence: missense variant.
Genome position (GRCh38, 1-based): chr18:6,966,206, T>C on the plus strand (A>G on the coding strand, the complement: LAMA1 is on the minus strand). VCF-style: chr18-6966206-T-C. GRCh37 (hg19) VCF-style: chr18-6966205-T-C.
Other names: short protein forms M2331V.
Identifiers: ClinVar variation 1504490 (VCV001504490.6), dbSNP rs143815838, ClinGen allele CA8881058.